The following is an entry in ClinVar:

NM_022552.5(DNMT3A):c.1044del (p.Ser349fs)

Gene: DNMT3A (DNA methyltransferase 3 alpha; minus strand). Cytogenetic location: 2p23.3.
Variant type: Deletion.
Coding change: c.1044del on transcript NM_022552.5 (MANE Select); coding-DNA position 1044, one base deleted (C; older notation c.1044delC).
Protein change: p.Ser349fs; shifts the reading frame from serine 349.
Molecular consequence: frameshift variant. On other transcripts: non-coding transcript variant (1).
Genome position (GRCh38, 1-based): chr2:25,247,129, G deleted on the plus strand (C on the coding strand, the reverse complement: DNMT3A is on the minus strand). VCF-style (leftmost placement, unchanged base first): chr2-25247128-AG-A. GRCh37 (hg19) VCF-style: chr2-25469997-AG-A.
Other names: c.1044del, p.Ser349fs (NM_175629.2); c.375del, p.Ser126fs (NM_001375819.1); c.477del, p.Ser160fs (NM_153759.3); c.588del, p.Ser197fs (NM_001320893.1); short protein forms S126fs, S160fs, S197fs, S349fs.
Identifiers: ClinVar variation 3026795 (VCV003026795.22), dbSNP rs2465548498, ClinGen allele CA2740092735.
Genomic context (GRCh38, chr2:25,247,128, plus strand): 5'-TGGCTTTGCGGTACATGGGCTGCTTGTTGTACGTGGCCTGGTGGAACGCACTGCAAAACG[AG>A]CTCAGCGGCATCAGCTTCTCAACACACACCTGGGGGGACAAGCCAGGCCTTGTTTGCCGA-3'

ClinVar aggregate classification (germline): Pathogenic (1 of 4 stars; one submission).

Submission:

CeGaT Center for Human Genetics Tuebingen
Classification: Pathogenic. Last evaluated: 2024-01-01. Review status: criteria provided, single submitter. Criteria: CeGaT Center For Human Genetics Tuebingen Variant Classification Criteria Version 2. Collection method: clinical testing. Allele origin: germline. Affected: yes. Observed: 1 variant allele.
Comment: DNMT3A: PVS1, PM2